The following is an entry in ClinVar:

ClinVar aggregate classification (germline): Uncertain significance (1 of 4 stars; one submission).

gnomAD v4.1: 5 of 1,613,580 alleles (0.00031%); highest among the groups gnomAD compares: Admixed American, 0.0067%; no homozygotes.

Submission:

Labcorp Genetics (formerly Invitae), Labcorp
Classification: Uncertain significance. Last evaluated: 2025-01-13. Review status: criteria provided, single submitter. Criteria: Invitae Variant Classification Sherloc (09022015). Collection method: clinical testing. Allele origin: germline.
Comment: This sequence change replaces cysteine, which is neutral and slightly polar, with phenylalanine, which is neutral and non-polar, at codon 2744 of the PCLO protein (p.Cys2744Phe). This variant is present in population databases (rs755262348, gnomAD 0.009%). This variant has not been reported in the literature in individuals affected with PCLO-related conditions. Experimental studies and prediction algorithms are not available or were not evaluated, and the functional significance of this variant is currently unknown. In summary, the available evidence is currently insufficient to determine the role of this variant in disease. Therefore, it has been classified as a Variant of Uncertain Significance.

NM_033026.6(PCLO):c.8231G>T (p.Cys2744Phe)

Gene: PCLO (piccolo presynaptic cytomatrix protein; minus strand). Cytogenetic location: 7q21.11.
Variant type: single nucleotide variant.
Coding change: c.8231G>T on transcript NM_033026.6 (MANE Select); coding-DNA position 8231, G replaced by T.
Protein change: p.Cys2744Phe; replaces cysteine 2744 with phenylalanine.
Molecular consequence: missense variant.
Genome position (GRCh38, 1-based): chr7:82,952,722, C>A on the plus strand (G>T on the coding strand, the complement: PCLO is on the minus strand). VCF-style: chr7-82952722-C-A. GRCh37 (hg19) VCF-style: chr7-82582038-C-A.
Other names: c.8231G>T, p.Cys2744Phe (NM_014510.3); short protein forms C2744F.
Identifiers: ClinVar variation 3699068 (VCV003699068.2).